The following is an entry in ClinVar:

NM_001999.4(FBN2):c.5917+1del

Gene: FBN2 (fibrillin 2; minus strand). Cytogenetic location: 5q23.3.
Variant type: Deletion.
Coding change: c.5917+1del on transcript NM_001999.4 (MANE Select); the canonical splice donor site of the intron after coding-DNA position 5917, one base deleted (G; older notation c.5917+1delG).
Molecular consequence: splice donor variant.
Genome position (GRCh38, 1-based): chr5:128,302,972, C deleted on the plus strand (G on the coding strand, the reverse complement: FBN2 is on the minus strand); the first of 3 consecutive C bases (chr5:128,302,972-128,302,974); deleting any one gives the same sequence. VCF-style (leftmost placement, unchanged base first): chr5-128302971-AC-A. GRCh37 (hg19) VCF-style: chr5-127638663-AC-A.
Identifiers: ClinVar variation 1709725 (VCV001709725.2), dbSNP rs2479717329, ClinGen allele CA2580072637.

ClinVar aggregate classification (germline): Likely pathogenic (1 of 4 stars; one submission).

Conditions:
Congenital contractural arachnodactyly (CCA). Also called: BEALS SYNDROME; Beals-Hecht syndrome; Arthrogryposis, distal, type 9. Identifiers: Orphanet 115, MedGen C0220668, MONDO:0007363, OMIM 121050.

Submission:

MGZ Medical Genetics Center
Classification: Likely pathogenic for Congenital contractural arachnodactyly. Last evaluated: 2022-01-18. Review status: criteria provided, single submitter. Criteria: ACMG Guidelines, 2015. Collection method: clinical testing. Allele origin: germline. Affected: yes. Observed: 1 variant allele.
Comment: ACMG criteria applied: PVS1, PM2_SUP